The following is an entry in ClinVar:

ClinVar aggregate classification (germline): Uncertain significance (1 of 4 stars; one submission).

Conditions:
Neuroblastoma, susceptibility to, 3. Also called: ALK-Related Neuroblastic Tumor Susceptibility. Identifiers: Orphanet 635, MedGen C2751681, MONDO:0013083, OMIM 613014.

gnomAD v4.1: 2 of 1,614,172 alleles (0.00012%); highest among the groups gnomAD compares: African/African-American, 0.0013%; no homozygotes.

Submission:

Labcorp Genetics (formerly Invitae), Labcorp
Classification: Uncertain significance for Neuroblastoma, susceptibility to, 3. Last evaluated: 2022-04-06. Review status: criteria provided, single submitter. Criteria: Invitae Variant Classification Sherloc (09022015). Collection method: clinical testing. Allele origin: germline.
Comment: This variant is not present in population databases (gnomAD no frequency). This sequence change creates a premature translational stop signal (p.Tyr1604*) in the ALK gene. While this is not anticipated to result in nonsense mediated decay, it is expected to disrupt the last 17 amino acid(s) of the ALK protein. This variant has not been reported in the literature in individuals affected with ALK-related conditions. In summary, the available evidence is currently insufficient to determine the role of this variant in disease. Therefore, it has been classified as a Variant of Uncertain Significance. Experimental studies and prediction algorithms are not available or were not evaluated, and the functional significance of this variant is currently unknown.

NM_004304.5(ALK):c.4812C>G (p.Tyr1604Ter)

Gene: ALK (ALK receptor tyrosine kinase; minus strand). Cytogenetic location: 2p23.2.
Variant type: single nucleotide variant.
Coding change: c.4812C>G on transcript NM_004304.5 (MANE Select); coding-DNA position 4812, C replaced by G.
Protein change: p.Tyr1604Ter; replaces tyrosine 1604 with a stop codon.
Molecular consequence: nonsense.
Genome position (GRCh38, 1-based): chr2:29,193,275, G>C on the plus strand (C>G on the coding strand, the complement: ALK is on the minus strand). VCF-style: chr2-29193275-G-C. GRCh37 (hg19) VCF-style: chr2-29416141-G-C.
Other names: c.1608C>G, p.Tyr536Ter (NM_001353765.2); short protein forms Y536*, Y1604*.
Identifiers: ClinVar variation 2116912 (VCV002116912.4), dbSNP rs753750497, ClinGen allele CA346460151.